The following is an entry in ClinVar:

NM_032776.3(JMJD1C):c.2965G>A (p.Asp989Asn)

Gene: JMJD1C (jumonji domain containing 1C; minus strand). Cytogenetic location: 10q21.3.
Variant type: single nucleotide variant.
Coding change: c.2965G>A on transcript NM_032776.3 (MANE Select); coding-DNA position 2965, G replaced by A.
Protein change: p.Asp989Asn; replaces aspartic acid 989 with asparagine.
Molecular consequence: missense variant. On other transcripts: non-coding transcript variant (1).
Genome position (GRCh38, 1-based): chr10:63,208,704, C>T on the plus strand (G>A on the coding strand, the complement: JMJD1C is on the minus strand). VCF-style: chr10-63208704-C-T. GRCh37 (hg19) VCF-style: chr10-64968464-C-T.
Other names: c.2419G>A, p.Asp807Asn (NM_001282948.2, NM_001318154.2); c.2101G>A, p.Asp701Asn (NM_001318153.2); c.2851G>A, p.Asp951Asn (NM_001322252.2); c.2308G>A, p.Asp770Asn (NM_001322254.2, NM_001322258.2); short protein forms D701N, D770N, D807N, D951N, D989N.
Identifiers: ClinVar variation 1717778 (VCV001717778.5), dbSNP rs2492700706, ClinGen allele CA377043147.

ClinVar aggregate classification (germline): Uncertain significance (1 of 4 stars; one submission).

Conditions:
Early Myoclonic Encephalopathy. Identifiers: MedGen C0270855.

Submission:

Labcorp Genetics (formerly Invitae), Labcorp
Classification: Uncertain significance for Early Myoclonic Encephalopathy. Last evaluated: 2025-08-15. Review status: criteria provided, single submitter. Criteria: Invitae Variant Classification Sherloc (09022015). Collection method: clinical testing. Allele origin: germline.
Comment: This sequence change replaces aspartic acid, which is acidic and polar, with asparagine, which is neutral and polar, at codon 989 of the JMJD1C protein (p.Asp989Asn). This variant is not present in population databases (gnomAD no frequency). This variant has not been reported in the literature in individuals affected with JMJD1C-related conditions. ClinVar contains an entry for this variant (Variation ID: 1717778). Invitae Evidence Modeling of protein sequence and biophysical properties (such as structural, functional, and spatial information, amino acid conservation, physicochemical variation, residue mobility, and thermodynamic stability) indicates that this missense variant is not expected to disrupt JMJD1C protein function with a negative predictive value of 80%. In summary, the available evidence is currently insufficient to determine the role of this variant in disease. Therefore, it has been classified as a Variant of Uncertain Significance.